The following is an entry in ClinVar:

ClinVar aggregate classification (germline): Uncertain significance (1 of 4 stars; one submission).

Submission:

Labcorp Genetics (formerly Invitae), Labcorp
Classification: Uncertain significance. Last evaluated: 2023-06-13. Review status: criteria provided, single submitter. Criteria: Invitae Variant Classification Sherloc (09022015). Collection method: clinical testing. Allele origin: germline.
Comment: In summary, the available evidence is currently insufficient to determine the role of this variant in disease. Therefore, it has been classified as a Variant of Uncertain Significance. An algorithm developed to predict the effect of missense changes on protein structure and function (PolyPhen-2) suggests that this variant is likely to be disruptive. This variant has not been reported in the literature in individuals affected with FRMD7-related conditions. This variant is not present in population databases (gnomAD no frequency). This sequence change replaces glutamine, which is neutral and polar, with glutamic acid, which is acidic and polar, at codon 20 of the FRMD7 protein (p.Gln20Glu).

NM_194277.3(FRMD7):c.58C>G (p.Gln20Glu)

Gene: FRMD7 (FERM domain containing 7; minus strand). Cytogenetic location: Xq26.2.
Variant type: single nucleotide variant.
Coding change: c.58C>G on transcript NM_194277.3 (MANE Select); coding-DNA position 58, C replaced by G.
Protein change: p.Gln20Glu; replaces glutamine 20 with glutamic acid.
Molecular consequence: missense variant.
Genome position (GRCh38, 1-based): chrX:132,100,716, G>C on the plus strand (C>G on the coding strand, the complement: FRMD7 is on the minus strand). VCF-style: chrX-132100716-G-C. GRCh37 (hg19) VCF-style: chrX-131234744-G-C.
Other names: c.58C>G, p.Gln20Glu (NM_001306193.2); short protein forms Q20E.
Identifiers: ClinVar variation 2741485 (VCV002741485.3), dbSNP rs2520850089, ClinGen allele CA414682337.